The following is an entry in ClinVar:

NM_006231.4(POLE):c.2543A>G (p.Glu848Gly)

Gene: POLE (DNA polymerase epsilon, catalytic subunit; minus strand). Cytogenetic location: 12q24.33.
Variant type: single nucleotide variant.
Coding change: c.2543A>G on transcript NM_006231.4 (MANE Select); coding-DNA position 2543, A replaced by G.
Protein change: p.Glu848Gly; replaces glutamic acid 848 with glycine.
Molecular consequence: missense variant.
Genome position (GRCh38, 1-based): chr12:132,664,388, T>C on the plus strand (A>G on the coding strand, the complement: POLE is on the minus strand). VCF-style: chr12-132664388-T-C. GRCh37 (hg19) VCF-style: chr12-133240974-T-C.
Other names: short protein forms E848G.
Identifiers: ClinVar variation 2744908 (VCV002744908.3), dbSNP rs2542065925, ClinGen allele CA387396235.

ClinVar aggregate classification (germline): Uncertain significance (1 of 4 stars; one submission).

Submission:

Labcorp Genetics (formerly Invitae), Labcorp
Classification: Uncertain significance. Last evaluated: 2023-07-19. Review status: criteria provided, single submitter. Criteria: Invitae Variant Classification Sherloc (09022015). Collection method: clinical testing. Allele origin: germline.
Comment: This sequence change replaces glutamic acid, which is acidic and polar, with glycine, which is neutral and non-polar, at codon 848 of the POLE protein (p.Glu848Gly). This variant is not present in population databases (gnomAD no frequency). This variant has not been reported in the literature in individuals affected with POLE-related conditions. Advanced modeling of protein sequence and biophysical properties (such as structural, functional, and spatial information, amino acid conservation, physicochemical variation, residue mobility, and thermodynamic stability) performed at Invitae indicates that this missense variant is expected to disrupt POLE protein function. In summary, the available evidence is currently insufficient to determine the role of this variant in disease. Therefore, it has been classified as a Variant of Uncertain Significance.